The following is an entry in ClinVar:

ClinVar aggregate classification (germline): Benign. Review status: criteria provided, multiple submitters, no conflicts (2 of 4 stars). 2 submissions from 2 submitters: Benign (2). Last evaluated 2018-06-19.

Allele frequency attached by ClinVar (database versions not stated): 1000 Genomes Project 30x 0.10306; ExAC 0.14713; gnomAD exomes 0.14783; gnomAD 0.11878 and 0.11735; 1000 Genomes Project 0.10703; ESP Exome Variant Server 0.11875; TOPMed 0.11762.
gnomAD v4.1: 210,514 of 1,437,450 alleles (15%); highest among the groups gnomAD compares: Middle Eastern, 18%; 16,552 homozygotes.

Submissions (3):

GeneDx
Classification: Benign. Last evaluated: 2018-06-19. Review status: criteria provided, single submitter. Criteria: GeneDx Variant Classification (06012015). Collection method: clinical testing. Allele origin: germline. Affected: yes.
Comment: This variant is considered likely benign or benign based on one or more of the following criteria: it is a conservative change, it occurs at a poorly conserved position in the protein, it is predicted to be benign by multiple in silico algorithms, and/or has population frequency not consistent with disease.

Breakthrough Genomics
Classification: Benign. Review status: criteria provided, single submitter. Criteria: ACMG Guidelines, 2015. Collection method: not provided. Allele origin: germline. Inheritance: Autosomal recessive inheritance. Affected: yes.

Dr. Peter K. Rogan Lab, Western University
No classification provided (evidence only). Condition: Uterine carcinosarcoma. Review status: no classification provided. Collection method: in vitro. Allele origin: not applicable. Functional consequence: retained intron. Not counted in ClinVar's aggregate classification.

NM_024753.5(TTC21B):c.3460-50G>A

Gene: TTC21B (tetratricopeptide repeat domain 21B; minus strand). Cytogenetic location: 2q24.3.
Variant type: single nucleotide variant.
Coding change: c.3460-50G>A on transcript NM_024753.5 (MANE Select); 50 bases into the intron before coding-DNA position 3460, G replaced by A.
Molecular consequence: intron variant.
Genome position (GRCh38, 1-based): chr2:165,884,068, C>T on the plus strand (G>A on the coding strand, the complement: TTC21B is on the minus strand). VCF-style: chr2-165884068-C-T. GRCh37 (hg19) VCF-style: chr2-166740578-C-T.
Other names: NC_000002.11:g.166740578C>T.
Identifiers: ClinVar variation 674967 (VCV000674967.3), dbSNP rs34701755, ClinGen allele CA1941498.